The following is an entry in ClinVar:

ClinVar aggregate classification (germline): Likely benign (1 of 4 stars; one submission).

gnomAD v4.1: 17 of 1,614,024 alleles (0.0011%); highest among the groups gnomAD compares: Admixed American, 0.012%; no homozygotes.

Submission:

CeGaT Center for Human Genetics Tuebingen
Classification: Likely benign. Last evaluated: 2026-08-01. Review status: criteria provided, single submitter. Criteria: CeGaT Center For Human Genetics Tuebingen Variant Classification Criteria Version 2. Collection method: clinical testing. Allele origin: germline. Affected: yes. Observed: 1 variant allele.
Comment: CDON: BP4, BP7

NM_001378964.1(CDON):c.1326T>C (p.His442=)

Gene: CDON (cell adhesion associated, oncogene regulated; minus strand). Cytogenetic location: 11q24.2.
Variant type: single nucleotide variant.
Coding change: c.1326T>C on transcript NM_001378964.1 (MANE Select); coding-DNA position 1326, T replaced by C.
Protein change: p.His442=; no amino-acid change (histidine 442 retained).
Molecular consequence: synonymous variant.
Genome position (GRCh38, 1-based): chr11:126,010,567, A>G on the plus strand (T>C on the coding strand, the complement: CDON is on the minus strand). VCF-style: chr11-126010567-A-G. GRCh37 (hg19) VCF-style: chr11-125880462-A-G.
Other names: c.1326T>C, p.His442= (NM_001243597.3, NM_001441161.1, NM_001441162.1 and 5 more transcripts).
Identifiers: ClinVar variation 5039326 (VCV005039326.1).